The following is an entry in ClinVar:

ClinVar aggregate classification (germline): Uncertain significance. Review status: criteria provided, multiple submitters, no conflicts (2 of 4 stars). 3 submissions from 3 submitters: Uncertain significance (3). Last evaluated 2025-10-13.

Conditions:
Fanconi anemia complementation group J. Also called: BRIP1-Related Fanconi Anemia. Identifiers: Orphanet 84, MedGen C1836860, MONDO:0012187, OMIM 609054.
Familial cancer of breast. Also called: hereditary breast carcinoma; BREAST CANCER, FAMILIAL; Hereditary breast cancer. Identifiers: Orphanet 227535, MedGen C0346153, MONDO:0016419, OMIM 114480. Disease mechanism: loss of function.
Hereditary cancer-predisposing syndrome. Also called: Tumor predisposition; Hereditary Cancer Syndrome; Hereditary neoplastic syndrome; Neoplastic Syndromes, Hereditary. Identifiers: Orphanet 140162, MedGen C0027672, MeSH D009386, MONDO:0015356.

Allele frequency attached by ClinVar (database versions not stated): gnomAD exomes below 0.00001.
gnomAD v4.1: 1 of 1,605,222 alleles (0.000062%); highest among the groups gnomAD compares: Non-Finnish European, 0.000085%; no homozygotes.

Submissions (3):

Labcorp Genetics (formerly Invitae), Labcorp
Classification: Uncertain significance for Familial cancer of breast; Fanconi anemia complementation group J. Last evaluated: 2025-10-13. Review status: criteria provided, single submitter. Criteria: Invitae Variant Classification Sherloc (09022015). Collection method: clinical testing. Allele origin: germline.
Comment: This sequence change replaces aspartic acid, which is acidic and polar, with glycine, which is neutral and non-polar, at codon 802 of the BRIP1 protein (p.Asp802Gly). This variant is not present in population databases (gnomAD no frequency). This variant has not been reported in the literature in individuals affected with BRIP1-related conditions. ClinVar contains an entry for this variant (Variation ID: 233229). Invitae Evidence Modeling of protein sequence and biophysical properties (such as structural, functional, and spatial information, amino acid conservation, physicochemical variation, residue mobility, and thermodynamic stability) has been performed for this missense variant. However, the output from this modeling did not meet the statistical confidence thresholds required to predict the impact of this variant on BRIP1 protein function. In summary, the available evidence is currently insufficient to determine the role of this variant in disease. Therefore, it has been classified as a Variant of Uncertain Significance.

Ambry Genetics
Classification: Uncertain significance for Hereditary cancer-predisposing syndrome. Last evaluated: 2025-01-06. Review status: criteria provided, single submitter. Criteria: Ambry Variant Classification Scheme 2023. Collection method: clinical testing. Allele origin: germline.
Comment: The p.D802G variant (also known as c.2405A>G), located in coding exon 16 of the BRIP1 gene, results from an A to G substitution at nucleotide position 2405. The aspartic acid at codon 802 is replaced by glycine, an amino acid with similar properties. This amino acid position is highly conserved in available vertebrate species. In addition, this alteration is predicted to be deleterious by in silico analysis. Since supporting evidence is limited at this time, the clinical significance of p.D802G remains unclear.

Women's Health and Genetics/Laboratory Corporation of America, LabCorp
Classification: Uncertain significance. Last evaluated: 2018-11-05. Review status: criteria provided, single submitter. Criteria: LabCorp Variant Classification Summary - May 2015. Collection method: clinical testing. Allele origin: germline.
Comment: Variant summary: BRIP1 c.2405A>G (p.Asp802Gly) results in a non-conservative amino acid change located in the ATP-dependent helicase, C-terminal domain of the encoded protein sequence. Five of five in-silico tools predict a damaging effect of the variant on protein function. The variant was absent in 244614 control chromosomes (gnomAD). The available data on variant occurrences in the general population are insufficient to allow any conclusion about variant significance. To our knowledge, no occurrence of c.2405A>G in individuals affected with Hereditary Breast and Ovarian Cancer and no experimental evidence demonstrating its impact on protein function have been reported. Two clinical diagnostic laboratories have submitted clinical-significance assessments for this variant to ClinVar after 2014 without evidence for independent evaluation and both laboratories classified the variant as uncertain significance. Based on the evidence outlined above, the variant was classified as uncertain significance.

NM_032043.3(BRIP1):c.2405A>G (p.Asp802Gly)

Gene: BRIP1 (BRCA1 interacting DNA helicase 1; minus strand). Cytogenetic location: 17q23.2.
Variant type: single nucleotide variant.
Coding change: c.2405A>G on transcript NM_032043.3 (MANE Select); coding-DNA position 2405, A replaced by G.
Protein change: p.Asp802Gly; replaces aspartic acid 802 with glycine.
Molecular consequence: missense variant.
Genome position (GRCh38, 1-based): chr17:61,716,038, T>C on the plus strand (A>G on the coding strand, the complement: BRIP1 is on the minus strand). VCF-style: chr17-61716038-T-C. GRCh37 (hg19) VCF-style: chr17-59793399-T-C.
Other names: short protein forms D802G.
Identifiers: ClinVar variation 233229 (VCV000233229.17), dbSNP rs876660273, ClinGen allele CA10580805.